The following is an entry in ClinVar:

NM_000186.4(CFH):c.704A>G (p.Tyr235Cys)

Gene: CFH (complement factor H; plus strand). Cytogenetic location: 1q31.3.
Variant type: single nucleotide variant.
Coding change: c.704A>G on transcript NM_000186.4 (MANE Select); coding-DNA position 704, A replaced by G.
Protein change: p.Tyr235Cys; replaces tyrosine 235 with cysteine.
Molecular consequence: missense variant.
Genome position (GRCh38, 1-based): chr1:196,679,707, A>G. VCF-style: chr1-196679707-A-G. GRCh37 (hg19) VCF-style: chr1-196648837-A-G.
Other names: c.704A>G, p.Tyr235Cys (NM_001014975.3); short protein forms Y235C.
Identifiers: ClinVar variation 4291319 (VCV004291319.2).

ClinVar aggregate classification (germline): Uncertain significance (1 of 4 stars; one submission).

Conditions:
Atypical hemolytic-uremic syndrome. Identifiers: Orphanet 2134, MedGen C2931788, MONDO:0016244.

Submission:

Genomenon, Inc
Classification: Uncertain significance for Atypical hemolytic-uremic syndrome. Last evaluated: 2026-09-17. Review status: criteria provided, single submitter. Criteria: Genomenon Sequence Variant Interpretation Standards - Updated. Collection method: curation. Allele origin: germline. Affected: yes.
Comment: CFH p.Tyr235Cys (c.704A>G) is a missense variant that changes the amino acid at codon 235 from tyrosine to cysteine. This variant has been observed in at least one proband affected with atypical hemolytic-uremic syndrome (PMID: 28941939). Functional studies have been reported (PMID: 28941939). It is absent or not present at a significant frequency in gnomAD. In conclusion, we classify CFH p.Tyr235Cys (c.704A>G) as a variant of uncertain significance.

Literature cited by the submitters: PubMed 28941939.